The following is an entry in ClinVar:

NM_012275.3(IL36RN):c.*1399T>C

Gene: IL36RN (interleukin 36 receptor antagonist; plus strand). Cytogenetic location: 2q14.1.
Variant type: single nucleotide variant.
Coding change: c.*1399T>C on transcript NM_012275.3 (MANE Select); 1399 bases downstream of the stop codon, T replaced by C.
Molecular consequence: 3 prime UTR variant.
Genome position (GRCh38, 1-based): chr2:113,064,076, T>C. VCF-style: chr2-113064076-T-C. GRCh37 (hg19) VCF-style: chr2-113821653-T-C.
Other names: c.*1399T>C (NM_173170.1).
Identifiers: ClinVar variation 330802 (VCV000330802.6), dbSNP rs768627, ClinGen allele CA10610604.
Genomic context (GRCh38, chr2:113,064,076, plus strand): 5'-CTAAATTCAATATGACTGGTTTCCTTGTATGAAAAGGAGAGGACACAGAGACAGAGGAGA[T>C]GCGGGGAAGACTATGTAAAGATGAAGGCAGAGATCGGAGTTTTGCAGCCACAAGCTAAGA-3'

ClinVar aggregate classification (germline): Benign. Review status: criteria provided, multiple submitters, no conflicts (2 of 4 stars). 2 submissions from 2 submitters: Benign (2). Last evaluated 2018-01-12.

Conditions:
Generalized pustular psoriasis. Identifiers: Orphanet 247353, MedGen C0343055, MONDO:0100491.

Allele frequency attached by ClinVar (database versions not stated): gnomAD exomes 0.50000; gnomAD 0.63435; TOPMed 0.65789; 1000 Genomes Project 30x 0.71393; 1000 Genomes Project 0.71526.
gnomAD v4.1: 99,173 of 151,998 alleles (65%); highest among the groups gnomAD compares: South Asian, 80%; 32,676 homozygotes.

Submissions (2):

Illumina Laboratory Services, Illumina
Classification: Benign for Acrodermatitis continua suppurativa of Hallopeau. Last evaluated: 2018-01-12. Review status: criteria provided, single submitter. Criteria: ICSL Variant Classification Criteria 13 December 2019. Collection method: clinical testing. Allele origin: germline.
Comment: This variant was observed in the ICSL laboratory as part of a predisposition screen in an ostensibly healthy population. It had not been previously curated by ICSL or reported in the Human Gene Mutation Database (HGMD: prior to June 1st, 2018), and was therefore a candidate for classification through an automated scoring system. Utilizing variant allele frequency, disease prevalence and penetrance estimates, and inheritance mode, an automated score was calculated to assess if this variant is too frequent to cause the disease. Based on the score and internal cut-off values, a variant classified as benign is not then subjected to further curation. The score for this variant resulted in a classification of benign for this disease.

Breakthrough Genomics
Classification: Benign. Review status: criteria provided, single submitter. Criteria: ACMG Guidelines, 2015. Collection method: not provided. Allele origin: germline. Inheritance: Autosomal recessive inheritance. Affected: yes.